The following is an entry in ClinVar:

NM_017864.4(INTS8):c.1310G>A (p.Gly437Glu)

Gene: INTS8 (integrator complex subunit 8; plus strand). Cytogenetic location: 8q22.1.
Variant type: single nucleotide variant.
Coding change: c.1310G>A on transcript NM_017864.4 (MANE Select); coding-DNA position 1310, G replaced by A.
Protein change: p.Gly437Glu; replaces glycine 437 with glutamic acid.
Molecular consequence: missense variant. On other transcripts: non-coding transcript variant (2).
Genome position (GRCh38, 1-based): chr8:94,849,511, G>A. VCF-style: chr8-94849511-G-A. GRCh37 (hg19) VCF-style: chr8-95861739-G-A.
Other names: short protein forms G437E.
Identifiers: ClinVar variation 789298 (VCV000789298.31), dbSNP rs148690736, ClinGen allele CA4813541.

ClinVar aggregate classification (germline): Likely benign. Review status: criteria provided, multiple submitters, no conflicts (2 of 4 stars). 5 submissions from 5 submitters: Likely benign (2). 3 of the submissions do not count toward it. Last evaluated 2025-09-01.

Conditions:
INTS8-related disorder. Also called: INTS8-related condition.

Allele frequency attached by ClinVar (database versions not stated): 1000 Genomes Project 0.00180; 1000 Genomes Project 30x 0.00203; gnomAD exomes 0.00375 and 0.00592; TOPMed 0.00396; ExAC 0.00400; gnomAD 0.00442 and 0.00453; ESP Exome Variant Server 0.00509.
gnomAD v4.1: 8,977 of 1,563,984 alleles (0.57%); highest among the groups gnomAD compares: Non-Finnish European, 0.7%; 31 homozygotes.

Submissions (5):

CeGaT Center for Human Genetics Tuebingen
Classification: Likely benign. Last evaluated: 2025-09-01. Review status: criteria provided, single submitter. Criteria: CeGaT Center For Human Genetics Tuebingen Variant Classification Criteria Version 2. Collection method: clinical testing. Allele origin: germline. Affected: yes. Observed: 4 variant alleles.
Comment: INTS8: BP4, BS2

Labcorp Genetics (formerly Invitae), Labcorp
Classification: Likely benign. Last evaluated: 2019-12-31. Review status: criteria provided, single submitter. Criteria: Invitae Variant Classification Sherloc (09022015). Collection method: clinical testing. Allele origin: germline.

PreventionGenetics, part of Exact Sciences
Classification: Likely benign for INTS8-related condition. Last evaluated: 2019-12-09. Review status: no assertion criteria provided. Collection method: clinical testing. Allele origin: germline. Not counted in ClinVar's aggregate classification.
Comment: This variant is classified as likely benign based on ACMG/AMP sequence variant interpretation guidelines (Richards et al. 2015 PMID: 25741868, with internal and published modifications).

Clinical Genetics DNA and cytogenetics Diagnostics Lab, Erasmus MC, Erasmus Medical Center
Classification: Likely benign. Review status: no assertion criteria provided. Collection method: clinical testing. Allele origin: germline. Affected: yes. Study: VKGL Data-share Consensus. Not counted in ClinVar's aggregate classification.

Laboratory of Diagnostic Genome Analysis, Leiden University Medical Center (LUMC)
Classification: Likely benign. Review status: no assertion criteria provided. Collection method: clinical testing. Allele origin: germline. Affected: yes. Study: VKGL Data-share Consensus. Not counted in ClinVar's aggregate classification.